The following is an entry in ClinVar:

NM_002772.3(TMPRSS15):c.2904+6G>T

Gene: TMPRSS15 (transmembrane serine protease 15; minus strand). Cytogenetic location: 21q21.1.
Variant type: single nucleotide variant.
Coding change: c.2904+6G>T on transcript NM_002772.3 (MANE Select); 6 bases into the intron after coding-DNA position 2904, G replaced by T.
Molecular consequence: intron variant.
Genome position (GRCh38, 1-based): chr21:18,275,191, C>A on the plus strand (G>T on the coding strand, the complement: TMPRSS15 is on the minus strand). VCF-style: chr21-18275191-C-A. GRCh37 (hg19) VCF-style: chr21-19647508-C-A.
Identifiers: ClinVar variation 2068213 (VCV002068213.4), dbSNP rs1349517040, ClinGen allele CA636791372.
Genomic context (GRCh38, chr21:18,275,191, plus strand): 5'-AGCAATGAAATAACTATAACACCAGTGCTTTCTGAAAAGGTACAGTGAGCAGTTTTACAT[C>A]TTTACCTGACAAGAATCTATTCCTCCTTCTTCATAGCCTGCACATATCATATTTTCAGTA-3'

ClinVar aggregate classification (germline): Uncertain significance (1 of 4 stars; one submission).

Allele frequency attached by ClinVar (database versions not stated): gnomAD exomes below 0.00001; TOPMed below 0.00001.
gnomAD v4.1: 2 of 1,613,690 alleles (0.00012%); highest among the groups gnomAD compares: Admixed American, 0.0033%; no homozygotes.

Submission:

Labcorp Genetics (formerly Invitae), Labcorp
Classification: Uncertain significance. Last evaluated: 2025-04-07. Review status: criteria provided, single submitter. Criteria: Invitae Variant Classification Sherloc (09022015). Collection method: clinical testing. Allele origin: germline.
Comment: This sequence change falls in intron 24 of the TMPRSS15 gene. It does not directly change the encoded amino acid sequence of the TMPRSS15 protein. It affects a nucleotide within the consensus splice site. This variant is present in population databases (no rsID available, gnomAD 0.006%). This variant has not been reported in the literature in individuals affected with TMPRSS15-related conditions. ClinVar contains an entry for this variant (Variation ID: 2068213). Variants that disrupt the consensus splice site are a relatively common cause of aberrant splicing (PMID: 17576681, 9536098). Algorithms developed to predict the effect of sequence changes on RNA splicing suggest that this variant is not likely to affect RNA splicing. In summary, the available evidence is currently insufficient to determine the role of this variant in disease. Therefore, it has been classified as a Variant of Uncertain Significance.

Literature cited by the submitters: PubMed 17576681; PubMed 9536098.